The following is an entry in ClinVar:

ClinVar aggregate classification (germline): Uncertain significance (1 of 4 stars; one submission).

Conditions:
Malignant hyperthermia, susceptibility to, 5 (MHS5). Also called: CACNA1S-Related Malignant Hyperthermia Susceptibility. Identifiers: Orphanet 423, MedGen C1866077, MONDO:0011163, OMIM 601887.
Hypokalemic periodic paralysis, type 1. Also called: Hypokalemic Periodic Paralysis Type 1 (AD); HypoPP. Identifiers: Orphanet 681, MedGen C3714580, MONDO:0042979, OMIM 170400.

Allele frequency attached by ClinVar (database versions not stated): gnomAD exomes below 0.00001.
gnomAD v4.1: 1 of 1,613,758 alleles (0.000062%); highest among the groups gnomAD compares: East Asian, 0.0022%; no homozygotes.

Submission:

Labcorp Genetics (formerly Invitae), Labcorp
Classification: Uncertain significance for Hypokalemic periodic paralysis, type 1; Malignant hyperthermia, susceptibility to, 5. Last evaluated: 2022-01-28. Review status: criteria provided, single submitter. Criteria: Invitae Variant Classification Sherloc (09022015). Collection method: clinical testing. Allele origin: germline.
Comment: In summary, the available evidence is currently insufficient to determine the role of this variant in disease. Therefore, it has been classified as a Variant of Uncertain Significance. Advanced modeling of protein sequence and biophysical properties (such as structural, functional, and spatial information, amino acid conservation, physicochemical variation, residue mobility, and thermodynamic stability) performed at Invitae indicates that this missense variant is not expected to disrupt CACNA1S protein function. This variant has not been reported in the literature in individuals affected with CACNA1S-related conditions. This variant is not present in population databases (gnomAD no frequency). This sequence change replaces tyrosine, which is neutral and polar, with cysteine, which is neutral and slightly polar, at codon 972 of the CACNA1S protein (p.Tyr972Cys).

NM_000069.3(CACNA1S):c.2915A>G (p.Tyr972Cys)

Gene: CACNA1S (calcium voltage-gated channel subunit alpha1 S; minus strand). Cytogenetic location: 1q32.1.
Variant type: single nucleotide variant.
Coding change: c.2915A>G on transcript NM_000069.3 (MANE Select); coding-DNA position 2915, A replaced by G.
Protein change: p.Tyr972Cys; replaces tyrosine 972 with cysteine.
Molecular consequence: missense variant.
Genome position (GRCh38, 1-based): chr1:201,062,082, T>C on the plus strand (A>G on the coding strand, the complement: CACNA1S is on the minus strand). VCF-style: chr1-201062082-T-C. GRCh37 (hg19) VCF-style: chr1-201031210-T-C.
Other names: short protein forms Y972C.
Identifiers: ClinVar variation 2180345 (VCV002180345.4), dbSNP rs2464501793, ClinGen allele CA344163761.